The following is an entry in ClinVar:

ClinVar aggregate classification (germline): Uncertain significance. Review status: criteria provided, multiple submitters, no conflicts (2 of 4 stars). 2 submissions from 2 submitters: Uncertain significance (2). Last evaluated 2024-10-23.

Conditions:
Autoimmune lymphoproliferative syndrome type 1. Also called: AUTOIMMUNE LYMPHOPROLIFERATIVE SYNDROME, TYPE I, AUTOSOMAL DOMINANT. Identifiers: Orphanet 3261, MedGen C2717884, MONDO:0011158, OMIM 601859.

Allele frequency attached by ClinVar (database versions not stated): gnomAD 0.00001; gnomAD exomes 0.00001; TOPMed 0.00001.
gnomAD v4.1: 16 of 1,614,086 alleles (0.00099%); highest among the groups gnomAD compares: Non-Finnish European, 0.0014%; no homozygotes.

Submissions (2):

Blueprint Genetics
Classification: Uncertain significance. Last evaluated: 2024-10-23. Review status: criteria provided, single submitter. Criteria: ACMG Guidelines, 2015. Collection method: clinical testing. Allele origin: germline.

Labcorp Genetics (formerly Invitae), Labcorp
Classification: Uncertain significance for Autoimmune lymphoproliferative syndrome. Last evaluated: 2024-02-17. Review status: criteria provided, single submitter. Criteria: Invitae Variant Classification Sherloc (09022015). Collection method: clinical testing. Allele origin: germline.
Comment: This sequence change replaces isoleucine, which is neutral and non-polar, with asparagine, which is neutral and polar, at codon 168 of the FASLG protein (p.Ile168Asn). This variant is not present in population databases (gnomAD no frequency). This variant has not been reported in the literature in individuals affected with FASLG-related conditions. ClinVar contains an entry for this variant (Variation ID: 650472). Advanced modeling of protein sequence and biophysical properties (such as structural, functional, and spatial information, amino acid conservation, physicochemical variation, residue mobility, and thermodynamic stability) performed at Invitae indicates that this missense variant is not expected to disrupt FASLG protein function with a negative predictive value of 80%. In summary, the available evidence is currently insufficient to determine the role of this variant in disease. Therefore, it has been classified as a Variant of Uncertain Significance.

NM_000639.3(FASLG):c.503T>A (p.Ile168Asn)

Gene: FASLG (Fas ligand; plus strand). Cytogenetic location: 1q24.3.
Variant type: single nucleotide variant.
Coding change: c.503T>A on transcript NM_000639.3 (MANE Select); coding-DNA position 503, T replaced by A.
Protein change: p.Ile168Asn; replaces isoleucine 168 with asparagine.
Molecular consequence: missense variant. On other transcripts: 3 prime UTR variant (1).
Genome position (GRCh38, 1-based): chr1:172,665,673, T>A. VCF-style: chr1-172665673-T-A. GRCh37 (hg19) VCF-style: chr1-172634813-T-A.
Other names: c.*73T>A (NM_001302746.2); short protein forms I168N.
Identifiers: ClinVar variation 650472 (VCV000650472.5), dbSNP rs1291566237, ClinGen allele CA343805998.
Genomic context (GRCh38, chr1:172,665,673, plus strand): 5'-TTATTTCAGGCAAGTCCAACTCAAGGTCCATGCCTCTGGAATGGGAAGACACCTATGGAA[T>A]TGTCCTGCTTTCTGGAGTGAAGTATAAGAAGGGTGGCCTTGTGATCAATGAAACTGGGCT-3'
Protein context (NP_000630.1, residues 158-178): MPLEWEDTYG[Ile168Asn]VLLSGVKYKK